The following is an entry in ClinVar:

ClinVar aggregate classification (germline): Pathogenic. Review status: criteria provided, multiple submitters, no conflicts (2 of 4 stars). 2 submissions from 2 submitters: Pathogenic (2). Last evaluated 2025-06-18.

Conditions:
COL1A1-related disorder. Also called: COL1A1- related disease; COL1A1-related condition.
Osteogenesis imperfecta type I (OI1). Also called: OI, TYPE I; OSTEOGENESIS IMPERFECTA TARDA; OSTEOGENESIS IMPERFECTA WITH BLUE SCLERAE; Osteogenesis imperfecta type 1; Lobstein's Disease; Lobstein disease. Identifiers: Orphanet 216796, Orphanet 666, MedGen C0023931, MONDO:0008146, OMIM 166200. Disease mechanism: loss of function.

Submissions (2):

Clinical Biomedical Laboratory, Shriners Hospital For Children - Canada
Classification: Pathogenic for Osteogenesis imperfecta type I. Last evaluated: 2025-06-18. Review status: criteria provided, single submitter. Criteria: ACMG Guidelines, 2015. Collection method: clinical testing. Allele origin: germline. Affected: yes.
Comment: This variant affects a canonical splice site of COL1A1. Variants affecting canonical splice sites in COL1A1 are a typical cause of osteogenesis imperfecta. This variant has been reported in the literature (for example: PMID 27509835). We have observed this variant in the Shriners Hospital for Children variant database in five individual with a diagnosis of osteogenesis imperfecta. The variant is absent from the gnomAD database (v.2.1.1), indicating it is very rare.

Blueprint Genetics
Classification: Pathogenic for COL1A1-related disorders. Last evaluated: 2020-11-11. Review status: criteria provided, single submitter. Criteria: ACMG Guidelines, 2015. Collection method: clinical testing. Allele origin: germline. Affected: yes. Observed: 1 variant allele.

Literature cited by the submitters: PubMed 27509835 (cited by Clinical Biomedical Laboratory, Shriners Hospital For Children - Canada).

NM_000088.4(COL1A1):c.471+1G>A

Gene: COL1A1 (collagen type I alpha 1 chain; minus strand). Cytogenetic location: 17q21.33.
Variant type: single nucleotide variant.
Coding change: c.471+1G>A on transcript NM_000088.4 (MANE Select); the canonical splice donor site of the intron after coding-DNA position 471, G replaced by A.
Molecular consequence: splice donor variant.
Genome position (GRCh38, 1-based): chr17:50,199,225, C>T on the plus strand (G>A on the coding strand, the complement: COL1A1 is on the minus strand). VCF-style: chr17-50199225-C-T. GRCh37 (hg19) VCF-style: chr17-48276586-C-T.
Identifiers: ClinVar variation 3912062 (VCV003912062.2).